The following is an entry in ClinVar:

ClinVar aggregate classification (germline): Likely pathogenic (1 of 4 stars; one submission).

Conditions:
ALG9 congenital disorder of glycosylation (CDG1L). Also called: ALG9-CDG; CONGENITAL DISORDER OF GLYCOSYLATION, TYPE Il; CDG Il. Identifiers: Orphanet 79328, MedGen C2931006, MONDO:0012117, OMIM 608776.

Allele frequency attached by ClinVar (database versions not stated): gnomAD exomes below 0.00001.
gnomAD v4.1: 1 of 1,614,162 alleles (0.000062%); highest among the groups gnomAD compares: Non-Finnish European, 0.000085%; no homozygotes.

Submission:

Labcorp Genetics (formerly Invitae), Labcorp
Classification: Likely pathogenic for ALG9 congenital disorder of glycosylation. Last evaluated: 2023-12-02. Review status: criteria provided, single submitter. Criteria: Invitae Variant Classification Sherloc (09022015). Collection method: clinical testing. Allele origin: germline.
Comment: This sequence change affects an acceptor splice site in intron 16 of the ATP6V0A2 gene. It is expected to disrupt RNA splicing. Variants that disrupt the donor or acceptor splice site typically lead to a loss of protein function (PMID: 16199547), and loss-of-function variants in ATP6V0A2 are known to be pathogenic (PMID: 18157129, 19321599). This variant is not present in population databases (gnomAD no frequency). This variant has not been reported in the literature in individuals affected with ATP6V0A2-related conditions. Algorithms developed to predict the effect of sequence changes on RNA splicing suggest that this variant may disrupt the consensus splice site. In summary, the currently available evidence indicates that the variant is pathogenic, but additional data are needed to prove that conclusively. Therefore, this variant has been classified as Likely Pathogenic.

Literature cited by the submitters: PubMed 16199547; PubMed 18157129; PubMed 19321599.

NM_012463.4(ATP6V0A2):c.2056-2A>G

Gene: ATP6V0A2 (ATPase H+ transporting V0 subunit a2; plus strand). Cytogenetic location: 12q24.31.
Variant type: single nucleotide variant.
Coding change: c.2056-2A>G on transcript NM_012463.4 (MANE Select); the canonical splice acceptor site of the intron before coding-DNA position 2056, A replaced by G.
Molecular consequence: splice acceptor variant.
Genome position (GRCh38, 1-based): chr12:123,752,281, A>G. VCF-style: chr12-123752281-A-G. GRCh37 (hg19) VCF-style: chr12-124236828-A-G.
Identifiers: ClinVar variation 2883184 (VCV002883184.3), dbSNP rs2541872719, ClinGen allele CA387163290.